The following is an entry in ClinVar:

NM_016507.4(CDK12):c.1847C>G (p.Thr616Arg)

Gene: CDK12 (cyclin dependent kinase 12; plus strand). Cytogenetic location: 17q12.
Variant type: single nucleotide variant.
Coding change: c.1847C>G on transcript NM_016507.4 (MANE Select); coding-DNA position 1847, C replaced by G.
Protein change: p.Thr616Arg; replaces threonine 616 with arginine.
Molecular consequence: missense variant.
Genome position (GRCh38, 1-based): chr17:39,471,679, C>G. VCF-style: chr17-39471679-C-G. GRCh37 (hg19) VCF-style: chr17-37627932-C-G.
Other names: c.1847C>G, p.Thr616Arg (NM_015083.4); short protein forms T616R.
Identifiers: ClinVar variation 4224372 (VCV004224372.1).
Genomic context (GRCh38, chr17:39,471,679, plus strand): 5'-CCTCTCAGGCAAATTCTCAGCCCCCTGTACAGGTTTCTGTGAAGACTCAAGTATCTGTAA[C>G]AGCTGCTATTCCACACCTGAAAACTTCAACGTTGCCTCCTTTGCCCCTCCCACCCTTATT-3'
Protein context (NP_057591.2, residues 606-626): QVSVKTQVSV[Thr616Arg]AAIPHLKTST

ClinVar aggregate classification (germline): Uncertain significance (1 of 4 stars; one submission).

Submission:

Ambry Genetics
Classification: Uncertain significance. Last evaluated: 2025-08-10. Review status: criteria provided, single submitter. Criteria: Ambry Variant Classification Scheme 2023. Collection method: clinical testing. Allele origin: germline.
Comment: The p.T616R variant (also known as c.1847C>G), located in coding exon 2 of the CDK12 gene, results from a C to G substitution at nucleotide position 1847. The threonine at codon 616 is replaced by arginine, an amino acid with similar properties. This amino acid position is conserved. In addition, the in silico prediction for this alteration is inconclusive. Based on the available evidence, the clinical significance of this variant remains unclear.